The following is an entry in ClinVar:

ClinVar aggregate classification (germline): Benign. Review status: criteria provided, multiple submitters, no conflicts (2 of 4 stars). 8 submissions from 8 submitters: Benign (7). 1 of the submissions does not count toward it. Last evaluated 2026-02-03.

Conditions:
ALPK3-related disorder. Also called: ALPK3-related condition.
Cardiomyopathy, familial hypertrophic 27. Identifiers: MedGen C4748014, MONDO:0054838, OMIM 618052.
Cardiovascular phenotype. Identifiers: MedGen CN230736.

Allele frequency attached by ClinVar (database versions not stated): ESP Exome Variant Server 0.00054; gnomAD exomes 0.00178 and 0.00658; gnomAD 0.00181 and 0.00264; TOPMed 0.00374; ExAC 0.00644; 1000 Genomes Project 30x 0.01312; 1000 Genomes Project 0.01458.

Submissions (8):

Labcorp Genetics (formerly Invitae), Labcorp
Classification: Benign. Last evaluated: 2026-02-03. Review status: criteria provided, single submitter. Criteria: Invitae Variant Classification Sherloc (09022015). Collection method: clinical testing. Allele origin: germline.

Women's Health and Genetics/Laboratory Corporation of America, LabCorp
Classification: Benign. Last evaluated: 2025-02-10. Review status: criteria provided, single submitter. Criteria: LabCorp Variant Classification Summary - May 2015. Collection method: clinical testing. Allele origin: germline.
Comment: Variant summary: ALPK3 c.1676C>T (p.Thr559Met) results in a non-conservative amino acid change in the encoded protein sequence. Two of three in-silico tools predict a benign effect of the variant on protein function. The variant allele was found at a frequency of 0.0066 in 241834 control chromosomes, predominantly at a frequency of 0.059 within the East Asian subpopulation in the gnomAD database, including 36 homozygotes. The observed variant frequency within East Asian control individuals in the gnomAD database is approximately 8 fold of the estimated maximal expected allele frequency for a pathogenic variant in ALPK3 causing Cardiomyopathy phenotype (0.0071). To our knowledge, no occurrence of c.1676C>T in individuals affected with Cardiomyopathy and no experimental evidence demonstrating its impact on protein function have been reported. ClinVar contains an entry for this variant (Variation ID: 384731). Based on the evidence outlined above, the variant was classified as benign.

ARUP Laboratories, Molecular Genetics and Genomics, ARUP Laboratories
Classification: Benign for Cardiomyopathy, familial hypertrophic 27. Last evaluated: 2023-11-11. Review status: criteria provided, single submitter. Criteria: ARUP Molecular Germline Variant Investigation Process 2024. Collection method: clinical testing. Allele origin: germline.

Mayo Clinic Laboratories, Mayo Clinic
Classification: Benign. Last evaluated: 2023-02-10. Review status: criteria provided, single submitter. Criteria: ACMG Guidelines, 2015. Collection method: clinical testing. Allele origin: germline. Observed: 5 variant alleles.

Ambry Genetics
Classification: Benign for Cardiovascular phenotype. Last evaluated: 2019-03-14. Review status: criteria provided, single submitter. Criteria: Ambry Variant Classification Scheme 2023. Collection method: clinical testing. Allele origin: germline.

GeneDx
Classification: Benign. Last evaluated: 2016-11-22. Review status: criteria provided, single submitter. Criteria: GeneDx Variant Classification (06012015). Collection method: clinical testing. Allele origin: germline. Affected: yes.
Comment: This variant is considered likely benign or benign based on one or more of the following criteria: it is a conservative change, it occurs at a poorly conserved position in the protein, it is predicted to be benign by multiple in silico algorithms, and/or has population frequency not consistent with disease.

Breakthrough Genomics
Classification: Benign. Review status: criteria provided, single submitter. Criteria: ACMG Guidelines, 2015. Collection method: not provided. Allele origin: germline. Inheritance: Autosomal recessive inheritance. Affected: yes.

PreventionGenetics, part of Exact Sciences
Classification: Benign for ALPK3-related condition. Last evaluated: 2019-04-09. Review status: no assertion criteria provided. Collection method: clinical testing. Allele origin: germline. Not counted in ClinVar's aggregate classification.
Comment: This variant is classified as benign based on ACMG/AMP sequence variant interpretation guidelines (Richards et al. 2015 PMID: 25741868, with internal and published modifications).

NM_020778.5(ALPK3):c.1676C>T (p.Thr559Met)

Gene: ALPK3 (alpha kinase 3; plus strand). Cytogenetic location: 15q25.3.
Variant type: single nucleotide variant.
Coding change: c.1676C>T on transcript NM_020778.5 (MANE Select); coding-DNA position 1676, C replaced by T.
Protein change: p.Thr559Met; replaces threonine 559 with methionine.
Molecular consequence: missense variant.
Genome position (GRCh38, 1-based): chr15:84,856,414, C>T. VCF-style: chr15-84856414-C-T. GRCh37 (hg19) VCF-style: chr15-85399645-C-T.
Other names: p.Thr761Met; short protein forms T761M, T559M.
Identifiers: ClinVar variation 384731 (VCV000384731.18), dbSNP rs16974569, ClinGen allele CA7709263.